The following is an entry in ClinVar:

NM_001303256.3(MORC2):c.2902C>T (p.Arg968Cys)

Gene: MORC2 (MORC family CW-type zinc finger 2; minus strand). Cytogenetic location: 22q12.2.
Variant type: single nucleotide variant.
Coding change: c.2902C>T on transcript NM_001303256.3 (MANE Select); coding-DNA position 2902, C replaced by T.
Protein change: p.Arg968Cys; replaces arginine 968 with cysteine.
Molecular consequence: missense variant.
Genome position (GRCh38, 1-based): chr22:30,928,147, G>A on the plus strand (C>T on the coding strand, the complement: MORC2 is on the minus strand). VCF-style: chr22-30928147-G-A. GRCh37 (hg19) VCF-style: chr22-31324134-G-A.
Other names: c.2902C>T, p.Arg968Cys (NM_001303257.2); c.2716C>T, p.Arg906Cys (NM_014941.3); short protein forms R906C, R968C.
Identifiers: ClinVar variation 2154463 (VCV002154463.5), dbSNP rs764290080, ClinGen allele CA10186516.
Genomic context (GRCh38, chr22:30,928,147, plus strand): 5'-GGAGCTTCCTCTCGGAGGTGCGCAGGCTTTCCTCGGAGGCCTTGGCCCGGGAGTCAGCAC[G>A]GCTCTGGTAGGAATTGCACAGGTTTTGGAGCCCTACTTCATATTGCTTGAAGTACTCCTT-3'
Protein context (NP_001290185.1, residues 958-978): LQNLCNSYQS[Arg968Cys]ADSRAKASEE

ClinVar aggregate classification (germline): Uncertain significance. Review status: criteria provided, multiple submitters, no conflicts (2 of 4 stars). 2 submissions from 2 submitters: Uncertain significance (2). Last evaluated 2026-09-01.

Conditions:
Charcot-Marie-Tooth disease axonal type 2Z. Also called: CHARCOT-MARIE-TOOTH DISEASE, AXONAL, AUTOSOMAL DOMINANT, TYPE 2Z; CHARCOT-MARIE-TOOTH NEUROPATHY, TYPE 2Z. Identifiers: Orphanet 466768, MedGen C5569025, MONDO:0014736, OMIM 616688.

Allele frequency attached by ClinVar (database versions not stated): gnomAD exomes below 0.00001; gnomAD 0.00001; ExAC 0.00002; TOPMed 0.00002.

Submissions (2):

CeGaT Center for Human Genetics Tuebingen
Classification: Uncertain significance. Last evaluated: 2026-09-01. Review status: criteria provided, single submitter. Criteria: CeGaT Center For Human Genetics Tuebingen Variant Classification Criteria Version 2. Collection method: clinical testing. Allele origin: germline. Affected: yes. Observed: 1 variant allele.

Labcorp Genetics (formerly Invitae), Labcorp
Classification: Uncertain significance for Charcot-Marie-Tooth disease axonal type 2Z. Last evaluated: 2022-06-04. Review status: criteria provided, single submitter. Criteria: Invitae Variant Classification Sherloc (09022015). Collection method: clinical testing. Allele origin: germline.
Comment: Advanced modeling of protein sequence and biophysical properties (such as structural, functional, and spatial information, amino acid conservation, physicochemical variation, residue mobility, and thermodynamic stability) performed at Invitae indicates that this missense variant is expected to disrupt MORC2 protein function. In summary, the available evidence is currently insufficient to determine the role of this variant in disease. Therefore, it has been classified as a Variant of Uncertain Significance. This variant has not been reported in the literature in individuals affected with MORC2-related conditions. This variant is present in population databases (rs764290080, gnomAD 0.007%). This sequence change replaces arginine, which is basic and polar, with cysteine, which is neutral and slightly polar, at codon 968 of the MORC2 protein (p.Arg968Cys).